The following is an entry in ClinVar:

ClinVar aggregate classification (germline): Uncertain significance (1 of 4 stars; one submission).

Conditions:
Emery-Dreifuss muscular dystrophy 4, autosomal dominant (EDMD4). Also called: EMERY-DREIFUSS MUSCULAR DYSTROPHY 4 WITH VARIABLE FEATURES. Identifiers: Orphanet 261, MedGen C2751807, MONDO:0013071, OMIM 612998.
Autosomal recessive ataxia, Beauce type. Also called: ATAXIA, RECESSIVE, OF BEAUCE; SYNE1 Deficiency; Spinocerebellar ataxia, autosomal recessive 8; SYNE1-Related Autosomal Recessive Cerebellar Ataxia. Identifiers: Orphanet 88644, MedGen C1853116, MONDO:0012549, OMIM 610743.

Submission:

Labcorp Genetics (formerly Invitae), Labcorp
Classification: Uncertain significance for Emery-Dreifuss muscular dystrophy 4, autosomal dominant; Autosomal recessive ataxia, Beauce type. Last evaluated: 2020-03-19. Review status: criteria provided, single submitter. Criteria: Invitae Variant Classification Sherloc (09022015). Collection method: clinical testing. Allele origin: germline.
Comment: This sequence change replaces aspartic acid with valine at codon 3972 of the SYNE1 protein (p.Asp3972Val). The aspartic acid residue is highly conserved and there is a large physicochemical difference between aspartic acid and valine. This variant is not present in population databases (ExAC no frequency). This variant has not been reported in the literature in individuals with SYNE1-related conditions. Algorithms developed to predict the effect of missense changes on protein structure and function (SIFT, PolyPhen-2, Align-GVGD) all suggest that this variant is likely to be disruptive, but these predictions have not been confirmed by published functional studies and their clinical significance is uncertain. In summary, the available evidence is currently insufficient to determine the role of this variant in disease. Therefore, it has been classified as a Variant of Uncertain Significance.

NM_182961.4(SYNE1):c.12128A>T (p.Asp4043Val)

Gene: SYNE1 (spectrin repeat containing nuclear envelope protein 1; minus strand). Cytogenetic location: 6q25.2.
Variant type: single nucleotide variant.
Coding change: c.12128A>T on transcript NM_182961.4 (MANE Select); coding-DNA position 12128, A replaced by T.
Protein change: p.Asp4043Val; replaces aspartic acid 4043 with valine.
Molecular consequence: missense variant.
Genome position (GRCh38, 1-based): chr6:152,344,178, T>A on the plus strand (A>T on the coding strand, the complement: SYNE1 is on the minus strand). VCF-style: chr6-152344178-T-A. GRCh37 (hg19) VCF-style: chr6-152665313-T-A.
Other names: c.11915A>T, p.Asp3972Val (NM_033071.5); short protein forms D3972V, D4043V.
Identifiers: ClinVar variation 860208 (VCV000860208.9), dbSNP rs761744256, ClinGen allele CA366112472.